The following is an entry in ClinVar:

NM_031220.4(PITPNM3):c.1477C>T (p.Arg493Trp)

Gene: PITPNM3 (PITPNM family member 3; minus strand). Cytogenetic location: 17p13.2.
Variant type: single nucleotide variant.
Coding change: c.1477C>T on transcript NM_031220.4 (MANE Select); coding-DNA position 1477, C replaced by T.
Protein change: p.Arg493Trp; replaces arginine 493 with tryptophan.
Molecular consequence: missense variant.
Genome position (GRCh38, 1-based): chr17:6,471,308, G>A on the plus strand (C>T on the coding strand, the complement: PITPNM3 is on the minus strand). VCF-style: chr17-6471308-G-A. GRCh37 (hg19) VCF-style: chr17-6374628-G-A.
Other names: c.1369C>T, p.Arg457Trp (NM_001165966.2); short protein forms R493W, R457W.
Identifiers: ClinVar variation 324752 (VCV000324752.16), dbSNP rs147943969, ClinGen allele CA8329489.

ClinVar aggregate classification (germline): Benign/Likely benign. Review status: criteria provided, multiple submitters, no conflicts (2 of 4 stars). 4 submissions from 4 submitters: Benign (3); Likely benign (1). Last evaluated 2026-01-28.

Conditions:
Cone-rod dystrophy 5 (CORD5). Identifiers: Orphanet 1872, MedGen C1832976, MONDO:0010969, OMIM 600977.

Allele frequency attached by ClinVar (database versions not stated): ESP Exome Variant Server 0.00285; gnomAD 0.00301 and 0.00314; TOPMed 0.00315; 1000 Genomes Project 0.00419; 1000 Genomes Project 30x 0.00453.
gnomAD v4.1: 877 of 1,609,920 alleles (0.054%); highest among the groups gnomAD compares: African/African-American, 0.97%; 7 homozygotes.

Submissions (4):

Labcorp Genetics (formerly Invitae), Labcorp
Classification: Benign. Last evaluated: 2026-01-28. Review status: criteria provided, single submitter. Criteria: Invitae Variant Classification Sherloc (09022015). Collection method: clinical testing. Allele origin: germline.

Blueprint Genetics
Classification: Likely benign. Last evaluated: 2023-10-06. Review status: criteria provided, single submitter. Criteria: ACMG Guidelines, 2015. Collection method: clinical testing. Allele origin: germline.

Illumina Laboratory Services, Illumina
Classification: Benign for Cone-rod dystrophy 5. Last evaluated: 2018-01-12. Review status: criteria provided, single submitter. Criteria: ICSL Variant Classification Criteria 13 December 2019. Collection method: clinical testing. Allele origin: germline.
Comment: This variant was observed in the ICSL laboratory as part of a predisposition screen in an ostensibly healthy population. It had not been previously curated by ICSL or reported in the Human Gene Mutation Database (HGMD: prior to June 1st, 2018), and was therefore a candidate for classification through an automated scoring system. Utilizing variant allele frequency, disease prevalence and penetrance estimates, and inheritance mode, an automated score was calculated to assess if this variant is too frequent to cause the disease. Based on the score and internal cut-off values, a variant classified as benign is not then subjected to further curation. The score for this variant resulted in a classification of benign for this disease.

Breakthrough Genomics
Classification: Benign. Review status: criteria provided, single submitter. Criteria: ACMG Guidelines, 2015. Collection method: not provided. Allele origin: germline. Inheritance: Autosomal dominant inheritance. Affected: yes.